The following is an entry in ClinVar:

ClinVar aggregate classification (germline): Uncertain significance. Review status: criteria provided, single submitter (1 of 4 stars). 2 submissions from 2 submitters: Uncertain significance (1). 1 of the submissions does not count toward it. Last evaluated 2025-08-04.

Allele frequency attached by ClinVar (database versions not stated): ExAC 0.00010; gnomAD exomes 0.00010; 1000 Genomes Project 30x 0.00094; 1000 Genomes Project 0.00100; gnomAD 0.00001 and 0.00006; TOPMed 0.00002.

Submissions (2):

Ambry Genetics
Classification: Uncertain significance. Last evaluated: 2025-08-04. Review status: criteria provided, single submitter. Criteria: Ambry Variant Classification Scheme 2023. Collection method: clinical testing. Allele origin: germline.

Department of Pathology and Laboratory Medicine, Sinai Health System
Classification: Uncertain significance. Review status: no assertion criteria provided. Collection method: clinical testing. Allele origin: unknown. Affected: yes. Study: The Canadian Open Genetics Repository (COGR). Not counted in ClinVar's aggregate classification.
Comment: The KRT74 p.Ala389Thr variant was not identified in the literature nor was it identified in ClinVar. The variant was identified in dbSNP (ID: rs551613378) and in control databases in 28 of 282596 chromosomes at a frequency of 0.00009908 (Genome Aggregation Database March 6, 2019, v2.1.1). The variant was observed in the following populations: South Asian in 14 of 30616 chromosomes (freq: 0.000457), Other in 2 of 7220 chromosomes (freq: 0.000277), Latino in 7 of 35426 chromosomes (freq: 0.000198) and European (non-Finnish) in 5 of 128944 chromosomes (freq: 0.000039), but was not observed in the African, Ashkenazi Jewish, East Asian, or European (Finnish) populations. The p.Ala389 residue is conserved in mammals and computational analyses (PolyPhen-2, SIFT, AlignGVGD, BLOSUM, MutationTaster) provide inconsistent predictions regarding the impact to the protein; this information is not very predictive of pathogenicity. The variant occurs outside of the splicing consensus sequence and in silico or computational prediction software programs (SpliceSiteFinder, MaxEntScan, NNSPLICE, GeneSplicer) do not predict a difference in splicing. In summary, based on the above information the clinical significance of this variant cannot be determined with certainty at this time. This variant is classified as a variant of uncertain significance.

NM_175053.4(KRT74):c.1165G>A (p.Ala389Thr)

Gene: KRT74 (keratin 74; minus strand). Cytogenetic location: 12q13.13.
Variant type: single nucleotide variant.
Coding change: c.1165G>A on transcript NM_175053.4 (MANE Select); coding-DNA position 1165, G replaced by A.
Protein change: p.Ala389Thr; replaces alanine 389 with threonine.
Molecular consequence: missense variant.
Genome position (GRCh38, 1-based): chr12:52,568,359, C>T on the plus strand (G>A on the coding strand, the complement: KRT74 is on the minus strand). VCF-style: chr12-52568359-C-T. GRCh37 (hg19) VCF-style: chr12-52962143-C-T.
Other names: c.1165G>A (NM_175053.3); short protein forms A389T.
Identifiers: ClinVar variation 1048841 (VCV001048841.2), dbSNP rs551613378, ClinGen allele CA6583741.